The following is an entry in ClinVar:

NM_001282933.2(ZNF341):c.1070G>C (p.Arg357Pro)

Gene: ZNF341 (zinc finger protein 341; plus strand). Cytogenetic location: 20q11.22.
Variant type: single nucleotide variant.
Coding change: c.1070G>C on transcript NM_001282933.2 (MANE Select); coding-DNA position 1070, G replaced by C.
Protein change: p.Arg357Pro; replaces arginine 357 with proline.
Molecular consequence: missense variant. On other transcripts: non-coding transcript variant (1).
Genome position (GRCh38, 1-based): chr20:33,761,903, G>C. VCF-style: chr20-33761903-G-C. GRCh37 (hg19) VCF-style: chr20-32349709-G-C.
Other names: c.800G>C, p.Arg267Pro (NM_001282935.2); c.1049G>C, p.Arg350Pro (NM_032819.5); short protein forms R350P, R357P, R267P.
Identifiers: ClinVar variation 3722276 (VCV003722276.2).

ClinVar aggregate classification (germline): Uncertain significance (1 of 4 stars; one submission).

Submission:

Labcorp Genetics (formerly Invitae), Labcorp
Classification: Uncertain significance. Last evaluated: 2024-10-23. Review status: criteria provided, single submitter. Criteria: Invitae Variant Classification Sherloc (09022015). Collection method: clinical testing. Allele origin: germline.
Comment: This sequence change replaces arginine, which is basic and polar, with proline, which is neutral and non-polar, at codon 350 of the ZNF341 protein (p.Arg350Pro). This variant is not present in population databases (gnomAD no frequency). This variant has not been reported in the literature in individuals affected with ZNF341-related conditions. An algorithm developed to predict the effect of missense changes on protein structure and function (PolyPhen-2) suggests that this variant is likely to be disruptive. In summary, the available evidence is currently insufficient to determine the role of this variant in disease. Therefore, it has been classified as a Variant of Uncertain Significance.